The following is an entry in ClinVar:

NM_001042492.3(NF1):c.2252-12G>A

Gene: NF1 (neurofibromin 1; plus strand). Cytogenetic location: 17q11.2.
Variant type: single nucleotide variant.
Coding change: c.2252-12G>A on transcript NM_001042492.3 (MANE Select); 12 bases into the intron before coding-DNA position 2252, G replaced by A.
Molecular consequence: intron variant.
Genome position (GRCh38, 1-based): chr17:31,227,206, G>A. VCF-style: chr17-31227206-G-A. GRCh37 (hg19) VCF-style: chr17-29554224-G-A.
Other names: c.2252-12G>A (NM_000267.4).
Identifiers: ClinVar variation 1597021 (VCV001597021.9), dbSNP rs747671446, ClinGen allele CA8485940.

ClinVar aggregate classification (germline): Likely benign. Review status: criteria provided, multiple submitters, no conflicts (2 of 4 stars). 2 submissions from 2 submitters: Likely benign (2). Last evaluated 2026-05-12.

Conditions:
Neurofibromatosis, type 1 (NF1). Also called: VON RECKLINGHAUSEN DISEASE; Neurofibromatosis, type I; NEUROFIBROMATOSIS, TYPE I, SOMATIC; Peripheral type neurofibromatosis. Identifiers: Orphanet 636, MedGen C0027831, MONDO:0018975, OMIM 162200. Disease mechanism: loss of function.

Allele frequency attached by ClinVar (database versions not stated): ExAC 0.00001; gnomAD 0.00001; gnomAD exomes 0.00001; TOPMed 0.00001.
gnomAD v4.1: 1 of 1,613,296 alleles (0.000062%); highest among the groups gnomAD compares: Non-Finnish European, 0.000085%; no homozygotes.

Submissions (2):

Myriad Genetics, Inc.
Classification: Likely benign for Neurofibromatosis, type 1. Last evaluated: 2026-05-12. Review status: criteria provided, single submitter. Criteria: Myriad Autosomal Dominant, Autosomal Recessive and X-Linked Classification Criteria (2023). Collection method: clinical testing. Allele origin: unknown.
Comment: This variant is considered likely benign. This variant is intronic and is not expected to impact mRNA splicing.

Labcorp Genetics (formerly Invitae), Labcorp
Classification: Likely benign for Neurofibromatosis, type 1. Last evaluated: 2026-01-20. Review status: criteria provided, single submitter. Criteria: Invitae Variant Classification Sherloc (09022015). Collection method: clinical testing. Allele origin: germline.